The following is an entry in ClinVar:

ClinVar aggregate classification (germline): Pathogenic. Review status: criteria provided, single submitter (1 of 4 stars). 3 submissions from 3 submitters: Pathogenic (1). 2 of the submissions do not count toward it. Last evaluated 2025-12-06.

Conditions:
Deficiency of ferroxidase (ACEP). Also called: Ceruloplasmin deficiency; Familial apoceruloplasmin deficiency; Hereditary ceruloplasmin deficiency; NEURODEGENERATION WITH BRAIN IRON ACCUMULATION 10; Deficiency of ceruloplasmin; Aceruloplasminemia. Identifiers: Orphanet 48818, MedGen C0878682, MONDO:0011426, OMIM 604290, HP:0025498.

Allele frequency attached by ClinVar (database versions not stated): gnomAD exomes below 0.00001; ExAC 0.00001.

Submissions (3):

GeneDx
Classification: Pathogenic. Last evaluated: 2025-12-06. Review status: criteria provided, single submitter. Criteria: GeneDx Variant Classification Process June 2021. Collection method: clinical testing. Allele origin: germline. Affected: yes.
Comment: Also reported in the heterozygous state in multiple unrelated patients with aceruloplasminemia and associated symptoms for whom no second CP variant was identified (PMID: 8526944, 10391079, 11756598, 24607334); Nonsense variant predicted to result in protein truncation or nonsense mediated decay in a gene for which loss of function is a known mechanism of disease; Not observed at significant frequency in large population cohorts (gnomAD); Also known as p.(W858*); This variant is associated with the following publications: (PMID: 17637479, 20301666, 8789443, 25525159, 8526944, 24607334, 10391079, 11756598, 38638373, 30901137, 20655381, 28258281, 22924847)

GeneReviews
Classification: Pathogenic for Aceruloplasminemia. Last evaluated: 2013-04-18. Review status: no assertion criteria provided. Collection method: curation. Allele origin: unknown. Not counted in ClinVar's aggregate classification.
ClinVar note: Converted during submission from pathologic to Pathogenic.

OMIM
Classification: Pathogenic for ACERULOPLASMINEMIA. Last evaluated: 2001-12-26. Review status: no assertion criteria provided. Collection method: literature only. Allele origin: germline. Not counted in ClinVar's aggregate classification.

Literature cited by the submitters: PubMed 8789443 (cited by OMIM); PubMed 11756598 (cited by OMIM).

NM_000096.4(CP):c.2630G>A (p.Trp877Ter)

Gene: CP (ceruloplasmin; minus strand). Cytogenetic location: 3q24.
Variant type: single nucleotide variant.
Coding change: c.2630G>A on transcript NM_000096.4 (MANE Select); coding-DNA position 2630, G replaced by A.
Protein change: p.Trp877Ter; replaces tryptophan 877 with a stop codon.
Molecular consequence: nonsense. On other transcripts: non-coding transcript variant (1).
Genome position (GRCh38, 1-based): chr3:149,179,587, C>T on the plus strand (G>A on the coding strand, the complement: CP is on the minus strand). VCF-style: chr3-149179587-C-T. GRCh37 (hg19) VCF-style: chr3-148897374-C-T.
Other names: W858*; short protein forms W877*.
Identifiers: ClinVar variation 17562 (VCV000017562.7), dbSNP rs121909579, ClinGen allele CA127258.